The following is an entry in ClinVar:

ClinVar aggregate classification (germline): Uncertain significance (1 of 4 stars; one submission).

Conditions:
Joubert syndrome 23 (JBTS23). Identifiers: Orphanet 475, MedGen C4084822, MONDO:0014664, OMIM 616490.
Short-rib thoracic dysplasia 14 with polydactyly (SRTD14). Identifiers: Orphanet 397715, MedGen C4225286, MONDO:0014688, OMIM 616546.

Allele frequency attached by ClinVar (database versions not stated): ExAC 0.00001; gnomAD 0.00001 and 0.00003; TOPMed 0.00002; gnomAD exomes 0.00004.
gnomAD v4.1: 55 of 1,533,518 alleles (0.0036%); highest among the groups gnomAD compares: Middle Eastern, 0.018%; no homozygotes.

Submission:

Labcorp Genetics (formerly Invitae), Labcorp
Classification: Uncertain significance for Joubert syndrome 23; Short-rib thoracic dysplasia 14 with polydactyly. Last evaluated: 2023-12-19. Review status: criteria provided, single submitter. Criteria: Invitae Variant Classification Sherloc (09022015). Collection method: clinical testing. Allele origin: germline.
Comment: This sequence change replaces alanine, which is neutral and non-polar, with threonine, which is neutral and polar, at codon 1042 of the KIAA0586 protein (p.Ala1042Thr). The frequency data for this variant in the population databases is considered unreliable, as metrics indicate poor data quality at this position in the gnomAD database. This variant has not been reported in the literature in individuals affected with KIAA0586-related conditions. ClinVar contains an entry for this variant (Variation ID: 1432072). Advanced modeling of protein sequence and biophysical properties (such as structural, functional, and spatial information, amino acid conservation, physicochemical variation, residue mobility, and thermodynamic stability) performed at Invitae indicates that this missense variant is not expected to disrupt KIAA0586 protein function with a negative predictive value of 80%. In summary, the available evidence is currently insufficient to determine the role of this variant in disease. Therefore, it has been classified as a Variant of Uncertain Significance.

NM_001329943.3(KIAA0586):c.2965G>A (p.Ala989Thr)

Gene: KIAA0586 (KIAA0586; plus strand). Cytogenetic location: 14q23.1.
Variant type: single nucleotide variant.
Coding change: c.2965G>A on transcript NM_001329943.3 (MANE Select); coding-DNA position 2965, G replaced by A.
Protein change: p.Ala989Thr; replaces alanine 989 with threonine.
Molecular consequence: missense variant.
Genome position (GRCh38, 1-based): chr14:58,482,533, G>A. VCF-style: chr14-58482533-G-A. GRCh37 (hg19) VCF-style: chr14-58949251-G-A.
Other names: c.3124G>A, p.Ala1042Thr (NM_001244189.2); c.2920G>A, p.Ala974Thr (NM_001244190.2); c.2710G>A, p.Ala904Thr (NM_001244191.2, NM_001329945.2, NM_001364700.1 and 1 more transcripts); c.2833G>A, p.Ala945Thr (NM_001244192.2); c.2545G>A, p.Ala849Thr (NM_001244193.2); c.2965G>A, p.Ala989Thr (NM_001329944.2, NM_001329946.2, NM_001329947.2); c.2737G>A, p.Ala913Thr (NM_014749.5); short protein forms A904T, A945T, A974T, A989T, A1042T, A849T, A913T.
Identifiers: ClinVar variation 1432072 (VCV001432072.4), dbSNP rs767605168, ClinGen allele CA7206031.
Genomic context (GRCh38, chr14:58,482,533, plus strand): 5'-TTCTTGCCCACTTATTCTGATTTTTTTTTTTTACTTTTAGTGGAAGGAACAAGCAGTGGC[G>A]CCCTCCAGCTTTTTGTTGATGCTGGTGTTCCTGTGAACTCAAATGTGATTAAACATTTTG-3'
Protein context (NP_001316872.1, residues 979-999): SDIVEGTSSG[Ala989Thr]LQLFVDAGVP